The following is an entry in ClinVar:

NM_015178.3(RHOBTB2):c.830G>A (p.Arg277His)

Gene: RHOBTB2 (Rho related BTB domain containing 2; plus strand). Cytogenetic location: 8p21.3.
Variant type: single nucleotide variant.
Coding change: c.830G>A on transcript NM_015178.3 (MANE Select); coding-DNA position 830, G replaced by A.
Protein change: p.Arg277His; replaces arginine 277 with histidine.
Molecular consequence: missense variant.
Genome position (GRCh38, 1-based): chr8:23,007,075, G>A. VCF-style: chr8-23007075-G-A. GRCh37 (hg19) VCF-style: chr8-22864588-G-A.
Other names: c.896G>A, p.Arg299His (NM_001160036.2); c.851G>A, p.Arg284His (NM_001160037.2); c.830G>A, p.Arg277His (NM_001374791.1); c.896G>A (NM_001160036.1); short protein forms R277H, R284H, R299H.
Identifiers: ClinVar variation 1013025 (VCV001013025.46), dbSNP rs144883643, ClinGen allele CA4672553.
Genomic context (GRCh38, chr8:23,007,075, plus strand): 5'-CCCACCTCCTGGAGGACCCGCTCTGCGCGGACGTCATCCTGGTGCTGCAGGAGCGGGTGC[G>A]CATCTTTGCCCACAAGATCTACCTCTCCACCTCTTCCTCCAAGTTCTATGACCTGTTCCT-3'
Protein context (NP_055993.2, residues 267-287): DVILVLQERV[Arg277His]IFAHKIYLST

ClinVar aggregate classification (germline): Likely benign. Review status: criteria provided, multiple submitters, no conflicts (2 of 4 stars). 6 submissions from 6 submitters: Likely benign (5). 1 of the submissions does not count toward it. Last evaluated 2026-01-12.

Conditions:
Inborn genetic diseases. Identifiers: MedGen C0950123, MeSH D030342.
RHOBTB2-related disorder. Also called: RHOBTB2-related condition.

Allele frequency attached by ClinVar (database versions not stated): gnomAD exomes 0.00030 and 0.00050; TOPMed 0.00030; 1000 Genomes Project 30x 0.00031; ExAC 0.00038; gnomAD 0.00038 and 0.00039; 1000 Genomes Project 0.00040; ESP Exome Variant Server 0.00062.
gnomAD v4.1: 764 of 1,610,446 alleles (0.047%); highest among the groups gnomAD compares: Non-Finnish European, 0.062%; no homozygotes.

Submissions (6):

Labcorp Genetics (formerly Invitae), Labcorp
Classification: Likely benign. Last evaluated: 2026-01-12. Review status: criteria provided, single submitter. Criteria: Invitae Variant Classification Sherloc (09022015). Collection method: clinical testing. Allele origin: germline.

CeGaT Center for Human Genetics Tuebingen
Classification: Likely benign. Last evaluated: 2025-11-01. Review status: criteria provided, single submitter. Criteria: CeGaT Center For Human Genetics Tuebingen Variant Classification Criteria Version 2. Collection method: clinical testing. Allele origin: germline. Affected: yes. Observed: 3 variant alleles.
Comment: RHOBTB2: BS2

Blueprint Genetics
Classification: Likely benign. Last evaluated: 2024-07-04. Review status: criteria provided, single submitter. Criteria: ACMG Guidelines, 2015. Collection method: clinical testing. Allele origin: germline.

Ambry Genetics
Classification: Likely benign for Inborn genetic diseases. Last evaluated: 2022-01-21. Review status: criteria provided, single submitter. Criteria: Ambry Variant Classification Scheme 2023. Collection method: clinical testing. Allele origin: germline.

Breakthrough Genomics
Classification: Likely benign. Review status: criteria provided, single submitter. Criteria: ACMG Guidelines, 2015. Collection method: not provided. Allele origin: germline. Inheritance: Autosomal dominant inheritance. Affected: yes.

PreventionGenetics, part of Exact Sciences
Classification: Likely benign for RHOBTB2-related condition. Last evaluated: 2022-09-02. Review status: no assertion criteria provided. Collection method: clinical testing. Allele origin: germline. Not counted in ClinVar's aggregate classification.
Comment: This variant is classified as likely benign based on ACMG/AMP sequence variant interpretation guidelines (Richards et al. 2015 PMID: 25741868, with internal and published modifications).